The following is an entry in ClinVar:

NM_000180.4(GUCY2D):c.1762C>T (p.Arg588Trp)

Gene: GUCY2D (guanylate cyclase 2D, retinal; plus strand). Cytogenetic location: 17p13.1.
Variant type: single nucleotide variant.
Coding change: c.1762C>T on transcript NM_000180.4 (MANE Select); coding-DNA position 1762, C replaced by T.
Protein change: p.Arg588Trp; replaces arginine 588 with tryptophan.
Molecular consequence: missense variant.
Genome position (GRCh38, 1-based): chr17:8,012,156, C>T. VCF-style: chr17-8012156-C-T. GRCh37 (hg19) VCF-style: chr17-7915474-C-T.
Other names: NM_000180.4(GUCY2D):c.1762C>T; p.Arg588Trp; short protein forms R588W.
Identifiers: ClinVar variation 2137915 (VCV002137915.9), dbSNP rs940175403, ClinGen allele CA287530833.
Genomic context (GRCh38, chr17:8,012,156, plus strand): 5'-CCCACATTGCCCTGGGCAGAAAATGCAAGTCAACTCTCCCCCTCTCAGCTCCAGGAGCTC[C>T]GGCATGAGAACGTGGCCCTCTACCTGGGGCTTTTCCTGGCTCGGGGAGCAGAAGGCCCTG-3'
Protein context (NP_000171.1, residues 578-598): KTAFSKLQEL[Arg588Trp]HENVALYLGL

ClinVar aggregate classification (germline): Pathogenic. Review status: reviewed by expert panel (3 of 4 stars). 7 submissions from 7 submitters: Pathogenic (1). 6 of the submissions do not count toward it. Last evaluated 2025-01-30.

Conditions:
GUCY2D-related disorders.
Cone-rod dystrophy 6 (CORD6). Also called: RETINAL CONE DYSTROPHY 2; Cone dystrophy progressive. Identifiers: Orphanet 1872, MedGen C1866293, MONDO:0011143, OMIM 601777.
Choroidal dystrophy, central areolar, 1. Identifiers: Orphanet 75377, MedGen C4551884, MONDO:0024539, OMIM 215500.
Night blindness, congenital stationary, type1i. Also called: NIGHT BLINDNESS, CONGENITAL STATIONARY, TYPE 1I. Identifiers: MedGen C5231408, MONDO:0032811, OMIM 618555.
Leber congenital amaurosis 1 (LCA1). Also called: RETINAL BLINDNESS, CONGENITAL; Congenital absence of the rods and cones; Leber's congenital tapetoretinal degeneration; Leber's congenital tapetoretinal dysplasia; AMAUROSIS CONGENITA OF LEBER I. Identifiers: Orphanet 65, MedGen C2931258, MONDO:0008764, OMIM 204000.
GUCY2D-related recessive retinopathy. Also called: Recessive GUCY2D retinopathy. Identifiers: MedGen CN305603, MONDO:0100453.
Retinal dystrophy. Also called: Inherited retinal dystrophy. Identifiers: Orphanet 71862, MedGen C0854723, MeSH D058499, MONDO:0019118, HP:0000556.
Leber congenital amaurosis (LCA). Also called: Leber's amaurosis. Identifiers: Orphanet 65, MedGen C0339527, MeSH D057130, MONDO:0018998.

Allele frequency attached by ClinVar (database versions not stated): gnomAD 0.00001; TOPMed 0.00001.

Submissions (7):

ClinGen Leber Congenital Amaurosis/early Onset Retinal Dystrophy Variant Curation Expert Panel, ClinGen
Classification: Pathogenic for GUCY2D-related recessive retinopathy. Last evaluated: 2025-01-30. Review status: reviewed by expert panel. Criteria: ClinGen LCAeoRD ACMG Specifications GUCY2D V1.0.0. Collection method: curation. Allele origin: germline. Inheritance: Autosomal recessive inheritance.
Comment: The NM_000180.4(GUCY2D):c.1762C>T (p.Arg588Trp) variant is predicted to replace the arginine at position p.588 with tryptophan. The variant protein exhibited <1.5% of wild-type activity when stimulated with GCAP1, GCAP2, or GCAP3, which is lower than the ClinGen LCA/eoRD VCEP PS3_Supporting threshold of <10% activity, indicating that it triggers a severe defect in protein function. In addition, the variant protein failed to co-localize with GCAP1 when co-expressed in HEK293 cells (PS3_Supporting, PMID: 36274938). The computational predictor REVEL gives a score of 0.592, which is below the ClinGen LCA / eoRD VCEP threshold of ≥0.644 and does not predict a damaging effect on RetGC-1 protein function. The splicing impact predictor SpliceAI gives a score of 0.2 for an acceptor site gain, which meets the ClinGen LCA/eoRD VCEP recommended threshold of ≥0.2 and predicts a damaging impact on splicing, however, this variant has been curated based on protein function rather than spliceogenicity, so the PP3 code has not been considered. This variant is present in gnomAD v.4.1.0 at a total allele frequency of 0.000008678, with 14 alleles / 1,613,262 total alleles, which is lower than the ClinGen LCA/eoRD VCEP PM2_Supporting threshold of <0.0004 (PM2_Supporting). This variant has been reported in at least 2 unrelated probands with early-onset severe retinal dystrophy who were homozygous for the variant (1 point, PMIDs: 29068479, 37327959). This variant has also been reported in at least 2 probands with early-onset severe retinal dystrophy who were compound heterozygous with either the NM_000180.4(GUCY2D):c.2516del (p.Thr839ArgfsTer27) or the NM_000180.4(GUCY2D):c.307G>A (p.Glu103Lys) variant suspected but not confirmed in trans (PMID: 36274938, VCEP member-provided data), which have been previously classified as either pathogenic or likely pathogenic by the ClinGen LCA/eoRD VCEP (2 total points, PM3_Strong). The variant has been reported to segregate with childhood-onset severe retinal dystrophy through the proband plus 2 similarly affected relatives, with the variant present in the homozygous state, and through a second proband plus 1 similarly affected relative, with the variant present in the compound heterozygous state (PMID:37327959, VCEP member-provided data, PP1_Strong). At least one proband harboring this variant exhibits a phenotype including diagnosis of early onset retinitis pigmentosa (0.5 pts) with onset in infancy (1 pt), genotyping by an LCA gene panel with no additional likely pathogenic findings (2 pts), electroretinogram showing altered responses from both cones and rods (1.5 pts), dyschromatopsia (1 pt), visual field loss (1 pt), attenuated blood vessels with peripheral pigment (0.5 pts), and night blindness (0.5 pts), which together are specific for GUCY2D-related recessive retinopathy (total 8 points, PMID: 37327959, PP4_moderate). In summary, this variant meets the criteria to be classified as pathogenic for GUCY2D-related recessive retinopathy based on the ACMG/AMP criteria applied, as specified by the ClinGen LCA/eoRD VCEP: PS3_Supporting, PM2_Supporting, PM3_Strong, PP1_Strong, and PP4. (VCEP specifications version 1.0.0; date of approval 01/22/2025).

Labcorp Genetics (formerly Invitae), Labcorp
Classification: Pathogenic for Leber congenital amaurosis 1; Cone-rod dystrophy 6. Last evaluated: 2025-02-10. Review status: criteria provided, single submitter. Criteria: Invitae Variant Classification Sherloc (09022015). Collection method: clinical testing. Allele origin: germline. Not counted in ClinVar's aggregate classification.
Comment: This sequence change replaces arginine, which is basic and polar, with tryptophan, which is neutral and slightly polar, at codon 588 of the GUCY2D protein (p.Arg588Trp). This variant is not present in population databases (gnomAD no frequency). This missense change has been observed in individuals with autosomal recessive GUCY2D-related conditions (PMID: 17964524, 26253563, 29068479, 32141364, 37327959). ClinVar contains an entry for this variant (Variation ID: 2137915). Invitae Evidence Modeling of protein sequence and biophysical properties (such as structural, functional, and spatial information, amino acid conservation, physicochemical variation, residue mobility, and thermodynamic stability) indicates that this missense variant is expected to disrupt GUCY2D protein function with a positive predictive value of 80%. Experimental studies have shown that this missense change affects GUCY2D function (PMID: 36274938). For these reasons, this variant has been classified as Pathogenic.

Fulgent Genetics
Classification: Likely pathogenic for Leber congenital amaurosis 1; Choroidal dystrophy, central areolar, 1; Cone-rod dystrophy 6; Night blindness, congenital stationary, type1i. Last evaluated: 2024-06-14. Review status: criteria provided, single submitter. Criteria: ACMG Guidelines, 2015. Collection method: clinical testing. Allele origin: germline. Not counted in ClinVar's aggregate classification.

Women's Health and Genetics/Laboratory Corporation of America, LabCorp
Classification: Pathogenic for Leber congenital amaurosis. Last evaluated: 2024-06-14. Review status: criteria provided, single submitter. Criteria: LabCorp Variant Classification Summary - May 2015. Collection method: clinical testing. Allele origin: germline. Not counted in ClinVar's aggregate classification.
Comment: Variant summary: GUCY2D c.1762C>T (p.Arg588Trp) results in a non-conservative amino acid change in the encoded protein sequence. Five of five in-silico tools predict a damaging effect of the variant on protein function. The variant was absent in 249900 control chromosomes (gnomAD). c.1762C>T has been reported in the literature in individuals affected with Leber Congenital Amaurosis or Retinitis Pigmentosa (e.g. Stone_2007, Perez_Carro_2016, Srikrupa_2018, Jacobson_2022). These data indicate that the variant is likely to be associated with disease. At least one publication reports experimental evidence evaluating an impact on protein function, finding that the variant results in virtually no enzymatic activity in vitro (Jacobson_2022). The following publications have been ascertained in the context of this evaluation (PMID: 17964524, 26806561, 29068479, 36274938). ClinVar contains an entry for this variant (Variation ID: 2137915). Based on the evidence outlined above, the variant was classified as pathogenic.

Genomic Medicine Center of Excellence, King Faisal Specialist Hospital and Research Centre
Classification: Uncertain significance for Leber congenital amaurosis 1. Last evaluated: 2024-04-04. Review status: criteria provided, single submitter. Criteria: ACMG Guidelines, 2015. Collection method: clinical testing. Allele origin: germline. Not counted in ClinVar's aggregate classification.

Blueprint Genetics
Classification: Likely pathogenic for GUCY2D-related disorders. Last evaluated: 2023-10-10. Review status: criteria provided, single submitter. Criteria: ACMG Guidelines, 2015. Collection method: clinical testing. Allele origin: germline. Affected: yes. Observed: 3 variant alleles. Not counted in ClinVar's aggregate classification.

Institute of Human Genetics, Univ. Regensburg, Univ. Regensburg
Classification: Likely pathogenic for Retinal dystrophy. Last evaluated: 2022-01-01. Review status: criteria provided, single submitter. Criteria: ACMG Guidelines, 2015. Collection method: clinical testing. Allele origin: germline. Affected: yes. Not counted in ClinVar's aggregate classification.

Literature cited by the submitters: PubMed 36274938 (cited by 4 submitters); PubMed 17964524 (cited by 3 submitters); PubMed 26253563 (cited by Labcorp Genetics (formerly Invitae), Labcorp); PubMed 29068479 (cited by 3 submitters); PubMed 32141364 (cited by Labcorp Genetics (formerly Invitae), Labcorp and Institute of Human Genetics, Univ. Regensburg, Univ. Regensburg); PubMed 37327959 (cited by Labcorp Genetics (formerly Invitae), Labcorp); PubMed 26806561 (cited by Women's Health and Genetics/Laboratory Corporation of America, LabCorp).